The following is an entry in ClinVar:

NM_002180.3(IGHMBP2):c.532C>G (p.Pro178Ala)

Gene: IGHMBP2 (immunoglobulin mu DNA binding protein 2; plus strand). Cytogenetic location: 11q13.3.
Variant type: single nucleotide variant.
Coding change: c.532C>G on transcript NM_002180.3 (MANE Select); coding-DNA position 532, C replaced by G.
Protein change: p.Pro178Ala; replaces proline 178 with alanine.
Molecular consequence: missense variant.
Genome position (GRCh38, 1-based): chr11:68,908,616, C>G. VCF-style: chr11-68908616-C-G. GRCh37 (hg19) VCF-style: chr11-68676084-C-G.
Other names: short protein forms P178A.
Identifiers: ClinVar variation 652434 (VCV000652434.10), dbSNP rs1566425176, ClinGen allele CA381643587.
Genomic context (GRCh38, chr11:68,908,616, plus strand): 5'-TATCATTCTGGCCCAGCCTCCTCACTCATAGAAGTGCTCTTTGGCAGATCTGCTCCCAGT[C>G]CTGCCAGTGAAATACGTAAGAACTTCTGAGTTTTCTTTTTTGGTTGAAATCACTACTGAA-3'
Protein context (NP_002171.2, residues 168-188): EVLFGRSAPS[Pro178Ala]ASEIHPLTFF

ClinVar aggregate classification (germline): Uncertain significance. Review status: criteria provided, multiple submitters, no conflicts (2 of 4 stars). 2 submissions from 2 submitters: Uncertain significance (2). Last evaluated 2024-07-10.

Conditions:
Autosomal recessive distal spinal muscular atrophy 1. Also called: HMN VI; NEURONOPATHY, SEVERE INFANTILE AXONAL, WITH RESPIRATORY FAILURE; Spinal muscular atrophy with respiratory distress 1; SEVERE INFANTILE AXONAL NEUROPATHY WITH RESPIRATORY FAILURE; SPINAL MUSCULAR ATROPHY, DIAPHRAGMATIC; NEURONOPATHY, DISTAL HEREDITARY MOTOR, HARDING TYPE VI. Identifiers: Orphanet 98920, MedGen C1858517, MONDO:0011436, OMIM 604320.
Charcot-Marie-Tooth disease axonal type 2S. Also called: CHARCOT-MARIE-TOOTH NEUROPATHY, TYPE 2S; CHARCOT-MARIE-TOOTH DISEASE, AXONAL, AUTOSOMAL RECESSIVE, TYPE 2S. Identifiers: Orphanet 443073, MedGen C4015349, MONDO:0014511, OMIM 616155.
Inborn genetic diseases. Identifiers: MedGen C0950123, MeSH D030342.

Submissions (2):

Ambry Genetics
Classification: Uncertain significance for Inborn genetic diseases. Last evaluated: 2024-07-10. Review status: criteria provided, single submitter. Criteria: Ambry Variant Classification Scheme 2023. Collection method: clinical testing. Allele origin: germline.

Labcorp Genetics (formerly Invitae), Labcorp
Classification: Uncertain significance for Autosomal recessive distal spinal muscular atrophy 1; Charcot-Marie-Tooth disease axonal type 2S. Last evaluated: 2018-12-10. Review status: criteria provided, single submitter. Criteria: Invitae Variant Classification Sherloc (09022015). Collection method: clinical testing. Allele origin: germline.
Comment: This sequence change replaces proline with alanine at codon 178 of the IGHMBP2 protein (p.Pro178Ala). The proline residue is weakly conserved and there is a small physicochemical difference between proline and alanine. This variant is not present in population databases (ExAC no frequency). This variant has not been reported in the literature in individuals with IGHMBP2-related conditions. Algorithms developed to predict the effect of missense changes on protein structure and function (SIFT, PolyPhen-2, Align-GVGD) all suggest that this variant is likely to be tolerated, but these predictions have not been confirmed by published functional studies and their clinical significance is uncertain. In summary, the available evidence is currently insufficient to determine the role of this variant in disease. Therefore, it has been classified as a Variant of Uncertain Significance.